The following is an entry in ClinVar:

NM_001349253.2(SCN11A):c.4909G>T (p.Ala1637Ser)

Gene: SCN11A (sodium voltage-gated channel alpha subunit 11; minus strand). Cytogenetic location: 3p22.2.
Variant type: single nucleotide variant.
Coding change: c.4909G>T on transcript NM_001349253.2 (MANE Select); coding-DNA position 4909, G replaced by T.
Protein change: p.Ala1637Ser; replaces alanine 1637 with serine.
Molecular consequence: missense variant.
Genome position (GRCh38, 1-based): chr3:38,847,161, C>A on the plus strand (G>T on the coding strand, the complement: SCN11A is on the minus strand). VCF-style: chr3-38847161-C-A. GRCh37 (hg19) VCF-style: chr3-38888652-C-A.
Other names: c.4909G>T, p.Ala1637Ser (NM_014139.3); short protein forms A1637S.
Identifiers: ClinVar variation 2950415 (VCV002950415.3), dbSNP rs1388718478, ClinGen allele CA352162103.

ClinVar aggregate classification (germline): Uncertain significance (1 of 4 stars; one submission).

Conditions:
Hereditary sensory and autonomic neuropathy type 7. Also called: HSAN VII; Neuropathy, hereditary sensory and autonomic, type VII. Identifiers: Orphanet 391397, MedGen C3809882, MONDO:0014244, OMIM 615548.
Familial episodic pain syndrome with predominantly lower limb involvement. Also called: Episodic pain syndrome, familial, 3. Identifiers: Orphanet 391384, Orphanet 391392, MedGen C3809899, MONDO:0014247, OMIM 615552.

Submission:

Labcorp Genetics (formerly Invitae), Labcorp
Classification: Uncertain significance for Familial episodic pain syndrome with predominantly lower limb involvement; Hereditary sensory and autonomic neuropathy type 7. Last evaluated: 2025-05-19. Review status: criteria provided, single submitter. Criteria: Invitae Variant Classification Sherloc (09022015). Collection method: clinical testing. Allele origin: germline.
Comment: This sequence change replaces alanine, which is neutral and non-polar, with serine, which is neutral and polar, at codon 1637 of the SCN11A protein (p.Ala1637Ser). This variant is not present in population databases (gnomAD no frequency). This variant has not been reported in the literature in individuals affected with SCN11A-related conditions. ClinVar contains an entry for this variant (Variation ID: 2950415). Invitae Evidence Modeling of protein sequence and biophysical properties (such as structural, functional, and spatial information, amino acid conservation, physicochemical variation, residue mobility, and thermodynamic stability) indicates that this missense variant is expected to disrupt SCN11A protein function with a positive predictive value of 80%. In summary, the available evidence is currently insufficient to determine the role of this variant in disease. Therefore, it has been classified as a Variant of Uncertain Significance.